The following is an entry in ClinVar:

ClinVar aggregate classification (germline): Uncertain significance. Review status: criteria provided, single submitter (1 of 4 stars). 2 submissions from 2 submitters: Uncertain significance (1). 1 of the submissions does not count toward it. Last evaluated 2023-10-19.

Conditions:
Familial cancer of breast. Also called: BREAST CANCER, FAMILIAL; Hereditary breast cancer; hereditary breast carcinoma. Identifiers: Orphanet 227535, MedGen C0346153, MONDO:0016419, OMIM 114480. Disease mechanism: loss of function.

Submissions (2):

Labcorp Genetics (formerly Invitae), Labcorp
Classification: Uncertain significance for Familial cancer of breast. Last evaluated: 2023-10-19. Review status: criteria provided, single submitter. Criteria: Invitae Variant Classification Sherloc (09022015). Collection method: clinical testing. Allele origin: germline.
Comment: This sequence change replaces proline, which is neutral and non-polar, with serine, which is neutral and polar, at codon 266 of the PALB2 protein (p.Pro266Ser). This variant is not present in population databases (gnomAD no frequency). This variant has not been reported in the literature in individuals affected with PALB2-related conditions. ClinVar contains an entry for this variant (Variation ID: 830120). Algorithms developed to predict the effect of missense changes on protein structure and function output the following: SIFT: "Not Available"; PolyPhen-2: "Possibly Damaging"; Align-GVGD: "Not Available". The serine amino acid residue is found in multiple mammalian species, which suggests that this missense change does not adversely affect protein function. In summary, the available evidence is currently insufficient to determine the role of this variant in disease. Therefore, it has been classified as a Variant of Uncertain Significance.

Leiden Open Variation Database
Classification: Uncertain significance. Last evaluated: 2018-08-25. Review status: no assertion criteria provided. Collection method: curation. Allele origin: germline. Affected: yes. Not counted in ClinVar's aggregate classification.
Comment: Curators: Marc Tischkowitz, Arleen D. Auerbach. Submitter to LOVD: Yukihide Momozawa.

Literature cited by the submitters: PubMed 30287823 (cited by Leiden Open Variation Database).

NM_024675.4(PALB2):c.796C>T (p.Pro266Ser)

Gene: PALB2 (partner and localizer of BRCA2; minus strand). Cytogenetic location: 16p12.2.
Variant type: single nucleotide variant.
Coding change: c.796C>T on transcript NM_024675.4 (MANE Select); coding-DNA position 796, C replaced by T.
Protein change: p.Pro266Ser; replaces proline 266 with serine.
Molecular consequence: missense variant.
Genome position (GRCh38, 1-based): chr16:23,635,750, G>A on the plus strand (C>T on the coding strand, the complement: PALB2 is on the minus strand). VCF-style: chr16-23635750-G-A. GRCh37 (hg19) VCF-style: chr16-23647071-G-A.
Other names: short protein forms P266S.
Identifiers: ClinVar variation 830120 (VCV000830120.9), dbSNP rs1967020348, ClinGen allele CA395136025.